The following is an entry in ClinVar:

ClinVar aggregate classification (germline): Uncertain significance (1 of 4 stars; one submission).

Conditions:
Amyotrophic lateral sclerosis type 4 (ALS4). Also called: NEURONOPATHY, DISTAL HEREDITARY MOTOR, WITH PYRAMIDAL FEATURES; AMYOTROPHIC LATERAL SCLEROSIS 4, JUVENILE. Identifiers: Orphanet 357043, MedGen C1865409, MONDO:0011223, OMIM 602433.
Spinocerebellar ataxia, autosomal recessive, with axonal neuropathy 2 (SCAN2). Also called: Ataxia with Oculomotor Apraxia; Ataxia with Oculomotor Apraxia Type 2; ATAXIA-OCULOMOTOR APRAXIA 2; Ataxia-ocular apraxia-2. Identifiers: Orphanet 64753, MedGen C1853761, MONDO:0018996, OMIM 606002.

Submission:

Labcorp Genetics (formerly Invitae), Labcorp
Classification: Uncertain significance for Amyotrophic lateral sclerosis type 4; Spinocerebellar ataxia, autosomal recessive, with axonal neuropathy 2. Last evaluated: 2022-08-13. Review status: criteria provided, single submitter. Criteria: Invitae Variant Classification Sherloc (09022015). Collection method: clinical testing. Allele origin: germline.
Comment: This variant is not present in population databases (gnomAD no frequency). This sequence change replaces glutamine, which is neutral and polar, with arginine, which is basic and polar, at codon 1382 of the SETX protein (p.Gln1382Arg). This variant has not been reported in the literature in individuals affected with SETX-related conditions. In summary, the available evidence is currently insufficient to determine the role of this variant in disease. Therefore, it has been classified as a Variant of Uncertain Significance. Advanced modeling of protein sequence and biophysical properties (such as structural, functional, and spatial information, amino acid conservation, physicochemical variation, residue mobility, and thermodynamic stability) performed at Invitae indicates that this missense variant is not expected to disrupt SETX protein function.

NM_015046.7(SETX):c.4145A>G (p.Gln1382Arg)

Gene: SETX (senataxin; minus strand). Cytogenetic location: 9q34.13.
Variant type: single nucleotide variant.
Coding change: c.4145A>G on transcript NM_015046.7 (MANE Select); coding-DNA position 4145, A replaced by G.
Protein change: p.Gln1382Arg; replaces glutamine 1382 with arginine.
Molecular consequence: missense variant.
Genome position (GRCh38, 1-based): chr9:132,327,453, T>C on the plus strand (A>G on the coding strand, the complement: SETX is on the minus strand). VCF-style: chr9-132327453-T-C. GRCh37 (hg19) VCF-style: chr9-135202840-T-C.
Other names: c.4145A>G, p.Gln1382Arg (NM_001351527.2, NM_001351528.2); short protein forms Q1382R.
Identifiers: ClinVar variation 2092542 (VCV002092542.4), dbSNP rs2539099472, ClinGen allele CA375327197.